The following is an entry in ClinVar:

NM_014236.4(GNPAT):c.1874C>T (p.Ser625Phe)

Gene: GNPAT (glyceronephosphate O-acyltransferase; plus strand). Cytogenetic location: 1q42.2.
Variant type: single nucleotide variant.
Coding change: c.1874C>T on transcript NM_014236.4 (MANE Select); coding-DNA position 1874, C replaced by T.
Protein change: p.Ser625Phe; replaces serine 625 with phenylalanine.
Molecular consequence: missense variant.
Genome position (GRCh38, 1-based): chr1:231,275,435, C>T. VCF-style: chr1-231275435-C-T. GRCh37 (hg19) VCF-style: chr1-231411181-C-T.
Other names: c.1691C>T, p.Ser564Phe (NM_001316350.2); short protein forms S625F, S564F.
Identifiers: ClinVar variation 1366436 (VCV001366436.8), dbSNP rs1258342049, ClinGen allele CA345240124.
Genomic context (GRCh38, chr1:231,275,435, plus strand): 5'-CAACTAACTCTTCCTCACCCCCAATTTTAGGTACCTCTCAATGTTATGATGTATTATCTT[C>T]TGATGTGCAGAAAAACGCCTTAGCAGCCTGTGTGAGGCTCGGAGTAGTGGAGAAGAAGAA-3'
Protein context (NP_055051.1, residues 615-635): GTSQCYDVLS[Ser625Phe]DVQKNALAAC

ClinVar aggregate classification (germline): Uncertain significance (1 of 4 stars; one submission).

Allele frequency attached by ClinVar (database versions not stated): gnomAD exomes below 0.00001.
gnomAD v4.1: 2 of 1,611,936 alleles (0.00012%); highest among the groups gnomAD compares: Non-Finnish European, 0.00017%; no homozygotes.

Submission:

Labcorp Genetics (formerly Invitae), Labcorp
Classification: Uncertain significance. Last evaluated: 2024-06-17. Review status: criteria provided, single submitter. Criteria: Invitae Variant Classification Sherloc (09022015). Collection method: clinical testing. Allele origin: germline.
Comment: This sequence change replaces serine, which is neutral and polar, with phenylalanine, which is neutral and non-polar, at codon 625 of the GNPAT protein (p.Ser625Phe). This variant is not present in population databases (gnomAD no frequency). This variant has not been reported in the literature in individuals affected with GNPAT-related conditions. ClinVar contains an entry for this variant (Variation ID: 1366436). Advanced modeling of protein sequence and biophysical properties (such as structural, functional, and spatial information, amino acid conservation, physicochemical variation, residue mobility, and thermodynamic stability) performed at Invitae indicates that this missense variant is expected to disrupt GNPAT protein function with a positive predictive value of 80%. Algorithms developed to predict the effect of sequence changes on RNA splicing suggest that this variant may disrupt the consensus splice site. In summary, the available evidence is currently insufficient to determine the role of this variant in disease. Therefore, it has been classified as a Variant of Uncertain Significance.